The following is an entry in ClinVar:

NM_001376571.1(MADD):c.1612T>C (p.Phe538Leu)

Gene: MADD (MAP kinase activating death domain; plus strand). Cytogenetic location: 11p11.2.
Variant type: single nucleotide variant.
Coding change: c.1612T>C on transcript NM_001376571.1 (MANE Select); coding-DNA position 1612, T replaced by C.
Protein change: p.Phe538Leu; replaces phenylalanine 538 with leucine.
Molecular consequence: missense variant. On other transcripts: non-coding transcript variant (8).
Genome position (GRCh38, 1-based): chr11:47,282,523, T>C. VCF-style: chr11-47282523-T-C. GRCh37 (hg19) VCF-style: chr11-47304074-T-C.
Other names: c.1612T>C, p.Phe538Leu (NM_001376578.1, NM_001376579.1, NM_001376580.1 and 80 more transcripts); c.1408T>C, p.Phe470Leu (NM_001376626.1, NM_001376627.1, NM_001376620.1 and 9 more transcripts); c.946T>C, p.Phe316Leu (NM_001376663.1); short protein forms F316L, F470L, F538L.
Identifiers: ClinVar variation 4532733 (VCV004532733.1).

ClinVar aggregate classification (germline): Uncertain significance (1 of 4 stars; one submission).

gnomAD v4.1: 5 of 1,614,036 alleles (0.00031%); highest among the groups gnomAD compares: Non-Finnish European, 0.00042%; no homozygotes.

Submission:

GeneDx
Classification: Uncertain significance. Last evaluated: 2025-05-30. Review status: criteria provided, single submitter. Criteria: GeneDx Variant Classification Process June 2021. Collection method: clinical testing. Allele origin: germline. Affected: yes.
Comment: Not observed at significant frequency in large population cohorts (gnomAD); In silico analysis supports that this missense variant has a deleterious effect on protein structure/function; Has not been previously published as pathogenic or benign to our knowledge